The following is an entry in ClinVar:

ClinVar aggregate classification (germline): Likely pathogenic (1 of 4 stars; one submission).

Conditions:
Hereditary hyperinsulinism.

Submission:

Natera, Inc.
Classification: Likely pathogenic for Hereditary hyperinsulinism. Last evaluated: 2025-06-09. Review status: criteria provided, single submitter. Criteria: Natera Variant Classification Schema (03/2026). Collection method: clinical testing. Allele origin: germline.
Comment: The c.209G>A variant in ABCC8 is a missense variant predicted to cause substitution of glycine to glutamic acid at amino acid 70. This variant is rare in the general population with a frequency below the threshold expected for the associated phenotype(s). This variant has been observed in one or more individuals affected with the associated recessive disease, as either homozygous or compound heterozygous with a second variant (PMID: 15579781). Functional studies show that this variant may disrupt protein function (PMID: 15579781). A different variant at the same position has been determined to be Pathogenic or Likely Pathogenic. Computational prediction algorithms indicate this variant is likely to affect gene or protein function. Given the available evidence, this variant is classified as Likely Pathogenic.

Literature cited by the submitters: PubMed 15579781.

NM_000352.6(ABCC8):c.209G>A (p.Gly70Glu)

Gene: ABCC8 (ATP binding cassette subfamily C member 8; minus strand). Cytogenetic location: 11p15.1.
Variant type: single nucleotide variant.
Coding change: c.209G>A on transcript NM_000352.6 (MANE Select); coding-DNA position 209, G replaced by A.
Protein change: p.Gly70Glu; replaces glycine 70 with glutamic acid.
Molecular consequence: missense variant. On other transcripts: non-coding transcript variant (1).
Genome position (GRCh38, 1-based): chr11:17,474,967, C>T on the plus strand (G>A on the coding strand, the complement: ABCC8 is on the minus strand). VCF-style: chr11-17474967-C-T. GRCh37 (hg19) VCF-style: chr11-17496514-C-T.
Other names: c.209G>A, p.Gly70Glu (NM_001287174.3, NM_001351295.2, NM_001351296.2 and 1 more transcripts); short protein forms G70E.
Identifiers: ClinVar variation 4818241 (VCV004818241.1).